The following is an entry in ClinVar:

ClinVar aggregate classification (germline): Uncertain significance (1 of 4 stars; one submission).

Conditions:
Cardiovascular phenotype. Identifiers: MedGen CN230736.

gnomAD v4.1: 16 of 1,540,736 alleles (0.001%); highest among the groups gnomAD compares: South Asian, 0.0096%; no homozygotes.

Submission:

Ambry Genetics
Classification: Uncertain significance for Cardiovascular phenotype. Last evaluated: 2024-08-11. Review status: criteria provided, single submitter. Criteria: Ambry Variant Classification Scheme 2023. Collection method: clinical testing. Allele origin: germline.
Comment: The p.G3358R variant (also known as c.10072G>A), located in coding exon 2 of the ZNF469 gene, results from a G to A substitution at nucleotide position 10072. The glycine at codon 3358 is replaced by arginine, an amino acid with dissimilar properties. This amino acid position is conserved. In addition, this alteration is predicted to be tolerated by in silico analysis. Based on the available evidence, the clinical significance of this variant remains unclear.

NM_001367624.2(ZNF469):c.10156G>A (p.Gly3386Arg)

Gene: ZNF469 (zinc finger protein 469; plus strand). Cytogenetic location: 16q24.2.
Variant type: single nucleotide variant.
Coding change: c.10156G>A on transcript NM_001367624.2 (MANE Select); coding-DNA position 10156, G replaced by A.
Protein change: p.Gly3386Arg; replaces glycine 3386 with arginine.
Molecular consequence: missense variant.
Genome position (GRCh38, 1-based): chr16:88,437,626, G>A. VCF-style: chr16-88437626-G-A. GRCh37 (hg19) VCF-style: chr16-88504034-G-A.
Other names: NM_001127464.1:c.10072G>A; short protein forms G3386R.
Identifiers: ClinVar variation 3476181 (VCV003476181.1).
Genomic context (GRCh38, chr16:88,437,626, plus strand): 5'-CTGTGCCCCCGGTGCCCCCGGGTCTACCCCGAGCACGGGGAGCTGCTGGCACACCTGGGC[G>A]GGGCGCACGGGCTGCTGGAGCGGCCGGAGCTGCAGCACACGCCGCTGTATGCCTGCGAGC-3'
Protein context (NP_001354553.1, residues 3376-3396): EHGELLAHLG[Gly3386Arg]AHGLLERPEL